The following is an entry in ClinVar:

NM_000057.4(BLM):c.10G>T (p.Val4Phe)

Gene: BLM (BLM RecQ like helicase; plus strand). Cytogenetic location: 15q26.1.
Variant type: single nucleotide variant.
Coding change: c.10G>T on transcript NM_000057.4 (MANE Select); coding-DNA position 10, G replaced by T.
Protein change: p.Val4Phe; replaces valine 4 with phenylalanine.
Molecular consequence: missense variant. On other transcripts: 5 prime UTR variant (1).
Genome position (GRCh38, 1-based): chr15:90,747,402, G>T. VCF-style: chr15-90747402-G-T. GRCh37 (hg19) VCF-style: chr15-91290632-G-T.
Other names: c.10G>T, p.Val4Phe (NM_001287246.2, NM_001287247.2); c.-1282G>T (NM_001287248.2); c.10G>T (NM_000057.2); short protein forms V4F.
Identifiers: ClinVar variation 1414390 (VCV001414390.7), dbSNP rs1466614215, ClinGen allele CA393838772.
Genomic context (GRCh38, chr15:90,747,402, plus strand): 5'-ATGCAAAGTACCTAACTCCACTGATTTCTTTTTCCCTCACTTTTTAGGATTATGGCTGCT[G>T]TTCCTCAAAATAATCTACAGGAGCAACTAGAACGTCACTCAGCCAGAACACTTAATAATA-3'
Protein context (NP_000048.1, residues 1-14): MAA[Val4Phe]PQNNLQEQLE

ClinVar aggregate classification (germline): Uncertain significance. Review status: criteria provided, multiple submitters, no conflicts (2 of 4 stars). 2 submissions from 2 submitters: Uncertain significance (2). Last evaluated 2025-04-29.

Conditions:
Hereditary cancer-predisposing syndrome. Also called: Hereditary Cancer Syndrome; Tumor predisposition; Hereditary neoplastic syndrome; Neoplastic Syndromes, Hereditary. Identifiers: Orphanet 140162, MedGen C0027672, MeSH D009386, MONDO:0015356.
Bloom syndrome (BLM). Also called: Bloom-Torre-Machacek syndrome. Identifiers: Orphanet 125, MedGen C0005859, MONDO:0008876, OMIM 210900.

Submissions (2):

Labcorp Genetics (formerly Invitae), Labcorp
Classification: Uncertain significance for Bloom syndrome. Last evaluated: 2025-04-29. Review status: criteria provided, single submitter. Criteria: Invitae Variant Classification Sherloc (09022015). Collection method: clinical testing. Allele origin: germline.
Comment: This sequence change replaces valine, which is neutral and non-polar, with phenylalanine, which is neutral and non-polar, at codon 4 of the BLM protein (p.Val4Phe). This variant is not present in population databases (gnomAD no frequency). This variant has not been reported in the literature in individuals affected with BLM-related conditions. ClinVar contains an entry for this variant (Variation ID: 1414390). An algorithm developed to predict the effect of missense changes on protein structure and function (PolyPhen-2) suggests that this variant is likely to be disruptive. In summary, the available evidence is currently insufficient to determine the role of this variant in disease. Therefore, it has been classified as a Variant of Uncertain Significance.

Ambry Genetics
Classification: Uncertain significance for Hereditary cancer-predisposing syndrome. Last evaluated: 2024-12-07. Review status: criteria provided, single submitter. Criteria: Ambry Variant Classification Scheme 2023. Collection method: clinical testing. Allele origin: germline.
Comment: The p.V4F variant (also known as c.10G>T), located in coding exon 1 of the BLM gene, results from a G to T substitution at nucleotide position 10. The valine at codon 4 is replaced by phenylalanine, an amino acid with highly similar properties. This amino acid position is conserved. In addition, this alteration is predicted to be tolerated by in silico analysis. Based on the available evidence, the clinical significance of this variant remains unclear.